The following is an entry in ClinVar:

NM_014324.6(AMACR):c.793C>A (p.Pro265Thr)

Genes: AMACR (alpha-methylacyl-CoA racemase; minus strand), C1QTNF3-AMACR (C1QTNF3-AMACR readthrough (NMD candidate); minus strand). Cytogenetic location: 5p13.2.
Variant type: single nucleotide variant.
Coding change: c.793C>A on transcript NM_014324.6 (MANE Select); coding-DNA position 793, C replaced by A.
Protein change: p.Pro265Thr; replaces proline 265 with threonine.
Molecular consequence: missense variant. On other transcripts: non-coding transcript variant (1), 3 prime UTR variant (1).
Genome position (GRCh38, 1-based): chr5:33,989,449, G>T on the plus strand (C>A on the coding strand, the complement: AMACR is on the minus strand). VCF-style: chr5-33989449-G-T. GRCh37 (hg19) VCF-style: chr5-33989554-G-T.
Other names: c.793C>A, p.Pro265Thr (NM_001167595.2); c.*35C>A (NM_203382.3); short protein forms P265T.
Identifiers: ClinVar variation 1482611 (VCV001482611.8), dbSNP rs2112033195, ClinGen allele CA359399299.
Genomic context (GRCh38, chr5:33,989,449, plus strand): 5'-GACACCACTCTGCCTTCGTCTTCTCTGCAAATACATCTGCAAACTTCTTCTTCATTTCTG[G>T]CCAATCATCCATGCTCATCTGATTGGGAAGTTCATCAGACTTTAGTCCAAGTCCTGAGGA-3'
Protein context (NP_055139.4, residues 255-275): LPNQMSMDDW[Pro265Thr]EMKKKFADVF

ClinVar aggregate classification (germline): Uncertain significance (1 of 4 stars; one submission).

Conditions:
Alpha-methylacyl-CoA racemase deficiency (AMACRD). Also called: AMACR deficiency. Identifiers: Orphanet 79095, MedGen C3280428, MONDO:0013681, OMIM 614307. Disease mechanism: loss of function.

Allele frequency attached by ClinVar (database versions not stated): gnomAD exomes below 0.00001.
gnomAD v4.1: 1 of 1,614,100 alleles (0.000062%); highest among the groups gnomAD compares: East Asian, 0.0022%; no homozygotes.

Submission:

Labcorp Genetics (formerly Invitae), Labcorp
Classification: Uncertain significance for Alpha-methylacyl-CoA racemase deficiency. Last evaluated: 2021-05-20. Review status: criteria provided, single submitter. Criteria: Invitae Variant Classification Sherloc (09022015). Collection method: clinical testing. Allele origin: germline.
Comment: This variant has not been reported in the literature in individuals with AMACR-related conditions. Algorithms developed to predict the effect of missense changes on protein structure and function are either unavailable or do not agree on the potential impact of this missense change (SIFT: "Tolerated"; PolyPhen-2: "Possibly Damaging"; Align-GVGD: "Class C0"). In summary, the available evidence is currently insufficient to determine the role of this variant in disease. Therefore, it has been classified as a Variant of Uncertain Significance. This sequence change replaces proline with threonine at codon 265 of the AMACR protein (p.Pro265Thr). The proline residue is highly conserved and there is a small physicochemical difference between proline and threonine. This variant is not present in population databases (ExAC no frequency).